The following is an entry in ClinVar:

NM_001080.3(ALDH5A1):c.727-15T>C

Gene: ALDH5A1 (aldehyde dehydrogenase 5 family member A1; plus strand). Cytogenetic location: 6p22.3.
Variant type: single nucleotide variant.
Coding change: c.727-15T>C on transcript NM_001080.3 (MANE Select); 15 bases into the intron before coding-DNA position 727, T replaced by C.
Molecular consequence: intron variant.
Genome position (GRCh38, 1-based): chr6:24,515,152, T>C. VCF-style: chr6-24515152-T-C. GRCh37 (hg19) VCF-style: chr6-24515380-T-C.
Other names: c.766-15T>C (NM_170740.1); c.727-5249T>C (NM_001368954.1).
Identifiers: ClinVar variation 356136 (VCV000356136.14), dbSNP rs13362724, ClinGen allele CA3656734.
Genomic context (GRCh38, chr6:24,515,152, plus strand): 5'-TTTCTCTTTTCTTTTTTTTTTTTTTTTTTTCAGTTTGGTAAATTGTTGGCACATGTTTGC[T>C]GTTTCTCTTTATAGCTTGCAAGCCAGGCTGGGATTCCTTCAGGTGTATACAATGTTATTC-3'

ClinVar aggregate classification (germline): Benign. Review status: criteria provided, multiple submitters, no conflicts (2 of 4 stars). 3 submissions from 3 submitters: Benign (3). Last evaluated 2026-02-03.

Conditions:
Succinate-semialdehyde dehydrogenase deficiency (SSADHD). Also called: Succinic Semialdehyde Dehydrogenase Deficiency; 4-HYDROXYBUTYRIC ACIDURIA; GABA METABOLIC DEFECT; SSADH DEFICIENCY. Identifiers: Orphanet 22, MedGen C0268631, MONDO:0010083, OMIM 271980.

Allele frequency attached by ClinVar (database versions not stated): 1000 Genomes Project 0.01558; gnomAD 0.01562 and 0.01442; 1000 Genomes Project 30x 0.01624; TOPMed 0.01768; ESP Exome Variant Server 0.01822; ExAC 0.00541; gnomAD exomes 0.00223 and 0.00455.
gnomAD v4.1: 5,493 of 1,593,574 alleles (0.34%); highest among the groups gnomAD compares: African/African-American, 5%; 98 homozygotes.

Submissions (3):

Labcorp Genetics (formerly Invitae), Labcorp
Classification: Benign for Succinate-semialdehyde dehydrogenase deficiency. Last evaluated: 2026-02-03. Review status: criteria provided, single submitter. Criteria: Invitae Variant Classification Sherloc (09022015). Collection method: clinical testing. Allele origin: germline.

GeneDx
Classification: Benign. Last evaluated: 2018-07-17. Review status: criteria provided, single submitter. Criteria: GeneDx Variant Classification Process June 2021. Collection method: clinical testing. Allele origin: germline. Affected: yes.

Illumina Laboratory Services, Illumina
Classification: Benign for Succinate-semialdehyde dehydrogenase deficiency. Last evaluated: 2018-01-12. Review status: criteria provided, single submitter. Criteria: ICSL Variant Classification Criteria 13 December 2019. Collection method: clinical testing. Allele origin: germline.
Comment: This variant was observed in the ICSL laboratory as part of a predisposition screen in an ostensibly healthy population. It had not been previously curated by ICSL or reported in the Human Gene Mutation Database (HGMD: prior to June 1st, 2018), and was therefore a candidate for classification through an automated scoring system. Utilizing variant allele frequency, disease prevalence and penetrance estimates, and inheritance mode, an automated score was calculated to assess if this variant is too frequent to cause the disease. Based on the score and internal cut-off values, a variant classified as benign is not then subjected to further curation. The score for this variant resulted in a classification of benign for this disease.